The following is an entry in ClinVar:

ClinVar aggregate classification (germline): Likely pathogenic (1 of 4 stars; one submission).

Conditions:
Neurodevelopmental disorder with hypotonia, stereotypic hand movements, and impaired language. Also called: Intellectual disability, autosomal dominant 20. Identifiers: Orphanet 228384, Orphanet 664410, MedGen C3150700, MONDO:0013266, OMIM 613443.

Submission:

Oleksyk Lab, Oakland University
Classification: Likely pathogenic for Neurodevelopmental disorder with hypotonia, stereotypic hand movements, and impaired language. Last evaluated: 2026-03-25. Review status: criteria provided, single submitter. Criteria: ACMG Guidelines, 2015. Collection method: research. Allele origin: de novo. Inheritance: Autosomal dominant inheritance. Affected: yes. Observed: 1 variant allele, 1 heterozygote.
Comment: The NM_002397.5:c.1108A>G (p.Thr370Ala) variant in MEF2C is absent from large population databases, including gnomAD, supporting its rarity (PM2). Although this specific variant has not been previously reported in the literature or observed in internal cohorts, two pathogenic or likely pathogenic variants have been described in close proximity within the Simons Searchlight cohort, which includes only clinically significant variants. Importantly, this region corresponds to a functionally critical transcriptional repression domain of the MEF2C protein, and clustering of disease-associated variants within this domain supports its functional relevance. Based on personal communication with an expert in MEF2C-related disorders, the localization of this variant within a recognized functional domain, together with nearby pathogenic variants, provides additional support for its potential pathogenicity.

NM_002397.5(MEF2C):c.1108A>G (p.Thr370Ala)

Gene: MEF2C (myocyte enhancer factor 2C; minus strand). Cytogenetic location: 5q14.3.
Variant type: single nucleotide variant.
Coding change: c.1108A>G on transcript NM_002397.5 (MANE Select); coding-DNA position 1108, A replaced by G.
Protein change: p.Thr370Ala; replaces threonine 370 with alanine.
Molecular consequence: missense variant. On other transcripts: intron variant (24).
Genome position (GRCh38, 1-based): chr5:88,722,918, T>C on the plus strand (A>G on the coding strand, the complement: MEF2C is on the minus strand). VCF-style: chr5-88722918-T-C. GRCh37 (hg19) VCF-style: chr5-88018735-T-C.
Other names: p.Thr370Ala; c.1078A>G, p.Thr360Ala (NM_001131005.2); c.1138A>G, p.Thr380Ala (NM_001193347.1); c.940A>G, p.Thr314Ala (NM_001193348.1); c.1108A>G, p.Thr370Ala (NM_001193350.2, NM_001364329.2, NM_001364330.2 and 1 more transcripts); c.1084A>G, p.Thr362Ala (NM_001308002.3, NM_001364333.2); c.964A>G, p.Thr322Ala (NM_001364344.2); c.730A>G, p.Thr244Ala (NM_001364353.2); and 11 more; short protein forms T244A, T314A, T322A, T360A, T362A, T370A, T380A.
Identifiers: ClinVar variation 4820046 (VCV004820046.1).